The following is an entry in ClinVar:

NM_003673.4(TCAP):c.476C>G (p.Ser159Cys)

Gene: TCAP (titin-cap; plus strand). Cytogenetic location: 17q12.
Variant type: single nucleotide variant.
Coding change: c.476C>G on transcript NM_003673.4 (MANE Select); coding-DNA position 476, C replaced by G.
Protein change: p.Ser159Cys; replaces serine 159 with cysteine.
Molecular consequence: missense variant.
Genome position (GRCh38, 1-based): chr17:39,666,081, C>G. VCF-style: chr17-39666081-C-G. GRCh37 (hg19) VCF-style: chr17-37822334-C-G.
Other names: short protein forms S159C.
Identifiers: ClinVar variation 955231 (VCV000955231.11), dbSNP rs1427293841, ClinGen allele CA399306064.

ClinVar aggregate classification (germline): Uncertain significance. Review status: criteria provided, multiple submitters, no conflicts (2 of 4 stars). 2 submissions from 2 submitters: Uncertain significance (2). Last evaluated 2026-07-19.

Conditions:
Hypertrophic cardiomyopathy 25 (CMH25). Also called: CARDIOMYOPATHY, FAMILIAL HYPERTROPHIC, 25. Identifiers: MedGen C4225408, MONDO:0011843, OMIM 607487.
Primary familial hypertrophic cardiomyopathy (HCM). Identifiers: Orphanet 99739, MedGen C0949658, MeSH D024741, MONDO:0024573. Inheritance: Various modes of inheritance.
Cardiovascular phenotype. Identifiers: MedGen CN230736.

Allele frequency attached by ClinVar (database versions not stated): gnomAD exomes below 0.00001.

Submissions (2):

Ambry Genetics
Classification: Uncertain significance for Cardiovascular phenotype. Last evaluated: 2026-07-19. Review status: criteria provided, single submitter. Criteria: Ambry Variant Classification Scheme 2023. Collection method: clinical testing. Allele origin: germline.
Comment: The p.S159C variant (also known as c.476C>G), located in coding exon 2 of the TCAP gene, results from a C to G substitution at nucleotide position 476. The serine at codon 159 is replaced by cysteine, an amino acid with dissimilar properties. This amino acid position is conserved. In addition, the in silico prediction for this alteration is inconclusive. Based on the available evidence, the clinical significance of this variant remains unclear.

Labcorp Genetics (formerly Invitae), Labcorp
Classification: Uncertain significance for Hypertrophic cardiomyopathy 25; Primary familial hypertrophic cardiomyopathy. Last evaluated: 2022-03-09. Review status: criteria provided, single submitter. Criteria: Invitae Variant Classification Sherloc (09022015). Collection method: clinical testing. Allele origin: germline.
Comment: Algorithms developed to predict the effect of missense changes on protein structure and function are either unavailable or do not agree on the potential impact of this missense change (SIFT: "Deleterious"; PolyPhen-2: "Probably Damaging"; Align-GVGD: "Class C15"). This sequence change replaces serine, which is neutral and polar, with cysteine, which is neutral and slightly polar, at codon 159 of the TCAP protein (p.Ser159Cys). This variant is not present in population databases (gnomAD no frequency). This variant has not been reported in the literature in individuals affected with TCAP-related conditions. ClinVar contains an entry for this variant (Variation ID: 955231). In summary, the available evidence is currently insufficient to determine the role of this variant in disease. Therefore, it has been classified as a Variant of Uncertain Significance.